The following is an entry in ClinVar:

ClinVar aggregate classification (germline): Conflicting classifications of pathogenicity. Review status: criteria provided, conflicting classifications (1 of 4 stars). 6 submissions from 6 submitters: Uncertain significance (4); Benign (1). 1 of the submissions does not count toward it. Last evaluated 2026-01-14.

Conditions:
Bethlem myopathy 1A. Also called: Bethlem Muscular Dystrophy; MYOPATHY, BENIGN CONGENITAL, WITH CONTRACTURES; Bethlem myopathy 1. Identifiers: Orphanet 610, MedGen CN029274, MONDO:0024530, OMIM 158810.
Tip-toe gait. Also called: Toe walking. Identifiers: MedGen C0427144, HP:0030051.

Allele frequency attached by ClinVar (database versions not stated): ESP Exome Variant Server 0.00008; gnomAD exomes 0.00014 and 0.00036; 1000 Genomes Project 30x 0.00016; 1000 Genomes Project 0.00020; TOPMed 0.00024; gnomAD 0.00025 and 0.00028; ExAC 0.00056.
gnomAD v4.1: 261 of 1,602,096 alleles (0.016%); highest among the groups gnomAD compares: South Asian, 0.068%; no homozygotes.

Submissions (6):

Women's Health and Genetics/Laboratory Corporation of America, LabCorp
Classification: Uncertain significance. Last evaluated: 2026-01-14. Review status: criteria provided, single submitter. Criteria: LabCorp Variant Classification Summary - May 2015. Collection method: clinical testing. Allele origin: germline.
Comment: Variant summary: COL6A2 c.2585G>A (p.Arg862Gln) results in a conservative amino acid change in the encoded protein sequence. Algorithms developed to predict the effect of missense changes on protein structure and function are either unavailable or do not agree on the potential impact of this missense change. The variant allele was found at a frequency of 0.00036 in 223986 control chromosomes in the gnomAD database, including one homozygote. This frequency is not significantly higher than estimated for disease-causing variants in COL6A2, allowing no conclusion about variant significance. c.2585G>A has been observed in individuals affected with limb-girdle muscular dystrophy type 1A (Nallamilli_2018). The report does not provide unequivocal conclusions about association of the variant with Ullrich congenital muscular dystrophy 1-AR. To our knowledge, no experimental evidence demonstrating an impact on protein function has been reported. The following publication have been ascertained in the context of this evaluation (PMID: 30564623). ClinVar contains an entry for this variant (Variation ID: 286208). Based on the evidence outlined above, the variant was classified as uncertain significance.

Labcorp Genetics (formerly Invitae), Labcorp
Classification: Benign for Bethlem myopathy 1A. Last evaluated: 2026-01-02. Review status: criteria provided, single submitter. Criteria: Invitae Variant Classification Sherloc (09022015). Collection method: clinical testing. Allele origin: germline.

GeneDx
Classification: Uncertain significance. Last evaluated: 2025-06-10. Review status: criteria provided, single submitter. Criteria: GeneDx Variant Classification Process June 2021. Collection method: clinical testing. Allele origin: germline. Affected: yes.
Comment: Reported previously as a variant of uncertain significance in two unrelated individuals with clinical features of limb-girdle muscular dystrophy (PMID: 30564623); In silico analysis supports that this missense variant has a deleterious effect on protein structure/function; This variant is associated with the following publications: (PMID: 30564623, 37091313)

Revvity Omics, Revvity
Classification: Uncertain significance. Last evaluated: 2025-03-14. Review status: criteria provided, single submitter. Criteria: ACMG Guidelines, 2015. Collection method: clinical testing. Allele origin: germline.

Eurofins Ntd Llc (ga)
Classification: Uncertain significance. Last evaluated: 2016-12-27. Review status: criteria provided, single submitter. Criteria: EGL Classification Definitions 2015. Collection method: clinical testing. Allele origin: germline. Observed: 2 variant alleles, 2 heterozygotes.

Practice for Gait Abnormalities, David Pomarino, Competency Network Toe Walking C/o Practice Pomarino
Classification: Likely pathogenic for Tip-toe gait. Last evaluated: 2022-01-19. Review status: no assertion criteria provided. Collection method: clinical testing. Allele origin: germline. Affected: yes. Not counted in ClinVar's aggregate classification.
Comment: Myopathy refers to diseases that affect skeletal Muscles. These diseases attack muscle fibers, making muscles weak. Inherited myopathies are often caused by inheriting an abnormal gene mutation from a parent that causes the disease. Symptoms of congenital myopathies usually start at birth or in early childhood, but may not appear until the teen years or even later in adulthood. Congenital myopathies are somewhat unique compared with other inherited myopathies, as weakness typically affects all muscles and is often not progressive. Symptoms are: Muscle weakness, most commonly of upper arms and shoulders and thighs, muscle cramps, stiffness and spasms, fatigue with exertion and lack of energy. Our patients all walk on tiptoe, so they show similar symptoms. When we genetically test them with our toe walking panel, we find that around 90 per cent of them have a genetic variant that explains their toe walking. These can be assigned, for example, to the area of myopathies (such as variants of the COL6A3 gene), the area of hereditary neuropathies (such as variants of the KMT2C gene) or the area of metabolic diseases (such as variants of the PYGM gene). In a smaller group of patients with almost identical symptoms, no abnormality is found in the genes of our panel, but spastic paraplegia can be detected. In another small group of our toe walkers, no abnormalities can be detected in the genes analysed in our toe walking panel, nor do they suffer from spastic paraplegia, as is also the case with healthy children. In contrast to these, however, they show a tiptoe gait. These patients suffer from infantile cerebral palsy, in which toe walking can also be observed.

Literature cited by the submitters: PubMed 30564623 (cited by Women's Health and Genetics/Laboratory Corporation of America, LabCorp); PubMed 37091313 (cited by Practice for Gait Abnormalities, David Pomarino, Competency Network Toe Walking C/o Practice Pomarino).

NM_001849.4(COL6A2):c.2585G>A (p.Arg862Gln)

Gene: COL6A2 (collagen type VI alpha 2 chain; plus strand). Cytogenetic location: 21q22.3.
Variant type: single nucleotide variant.
Coding change: c.2585G>A on transcript NM_001849.4 (MANE Select); coding-DNA position 2585, G replaced by A.
Protein change: p.Arg862Gln; replaces arginine 862 with glutamine.
Molecular consequence: missense variant.
Genome position (GRCh38, 1-based): chr21:46,132,077, G>A. VCF-style: chr21-46132077-G-A. GRCh37 (hg19) VCF-style: chr21-47551991-G-A.
Other names: short protein forms R862Q.
Identifiers: ClinVar variation 286208 (VCV000286208.23), dbSNP rs367658663, ClinGen allele CA10072937.